The following is an entry in ClinVar:

NM_015570.4(AUTS2):c.3115_3159del (p.Ser1039_Ser1053del)

Gene: AUTS2 (activator of transcription and developmental regulator AUTS2; plus strand). Cytogenetic location: 7q11.22.
Variant type: Deletion.
Coding change: c.3115_3159del on transcript NM_015570.4 (MANE Select); coding-DNA positions 3115 to 3159, 45 bases deleted.
Protein change: p.Ser1039_Ser1053del.
Molecular consequence: inframe deletion.
Genome position (GRCh38, 1-based): chr7:70,790,331-70,790,375, 45 bases deleted; deleting any 45 consecutive bases within chr7:70,790,323-70,790,375 gives the same sequence; the c. name uses the placement nearest the transcript's 3' end. GRCh37 (hg19): chr7:70,255,317-70,255,361.
Other names: c.3043_3087del, p.Ser1015_Ser1029del (NM_001127231.3).
Identifiers: ClinVar variation 2506848 (VCV002506848.2), dbSNP rs750524757, ClinGen allele CA4281269.

ClinVar aggregate classification (germline): Uncertain significance (1 of 4 stars; one submission).

Submission:

GeneDx
Classification: Uncertain significance. Last evaluated: 2026-01-18. Review status: criteria provided, single submitter. Criteria: GeneDx Variant Classification Process June 2021. Collection method: clinical testing. Allele origin: germline. Affected: yes.
Comment: Not observed at significant frequency in large population cohorts (gnomAD); In-frame deletion of 15 amino acids in a non-repeat region; In silico analysis supports a deleterious effect on protein structure/function; Has not been previously published as pathogenic or benign to our knowledge